The following is an entry in ClinVar:

NM_000179.3(MSH6):c.4007T>G (p.Val1336Gly)

Gene: MSH6 (mutS homolog 6; plus strand). Cytogenetic location: 2p16.3.
Variant type: single nucleotide variant.
Coding change: c.4007T>G on transcript NM_000179.3 (MANE Select); coding-DNA position 4007, T replaced by G.
Protein change: p.Val1336Gly; replaces valine 1336 with glycine.
Molecular consequence: missense variant.
Genome position (GRCh38, 1-based): chr2:47,806,784, T>G. VCF-style: chr2-47806784-T-G. GRCh37 (hg19) VCF-style: chr2-48033923-T-G.
Other names: c.3617T>G, p.Val1206Gly (NM_001281492.2); c.3101T>G, p.Val1034Gly (NM_001281493.2, NM_001281494.2); short protein forms V1034G, V1206G, V1336G.
Identifiers: ClinVar variation 1054693 (VCV001054693.9), dbSNP rs1558395526, ClinGen allele CA346761630.

ClinVar aggregate classification (germline): Uncertain significance (1 of 4 stars; one submission).

Conditions:
Hereditary nonpolyposis colorectal neoplasms. Identifiers: MedGen C0009405, MeSH D003123.

Submission:

Labcorp Genetics (formerly Invitae), Labcorp
Classification: Uncertain significance for Hereditary nonpolyposis colorectal neoplasms. Last evaluated: 2022-07-19. Review status: criteria provided, single submitter. Criteria: Invitae Variant Classification Sherloc (09022015). Collection method: clinical testing. Allele origin: germline.
Comment: In summary, the available evidence is currently insufficient to determine the role of this variant in disease. Therefore, it has been classified as a Variant of Uncertain Significance. Advanced modeling of protein sequence and biophysical properties (such as structural, functional, and spatial information, amino acid conservation, physicochemical variation, residue mobility, and thermodynamic stability) performed at Invitae indicates that this missense variant is not expected to disrupt MSH6 protein function. ClinVar contains an entry for this variant (Variation ID: 1054693). This variant has not been reported in the literature in individuals affected with MSH6-related conditions. This variant is not present in population databases (gnomAD no frequency). This sequence change replaces valine, which is neutral and non-polar, with glycine, which is neutral and non-polar, at codon 1336 of the MSH6 protein (p.Val1336Gly).